The following is an entry in ClinVar:

Single allele

Genes: ITPR1 (inositol 1,4,5-trisphosphate receptor type 1; plus strand), ITPR1-DT (ITPR1 divergent transcript; minus strand), SETMAR (SET domain and mariner transposase fusion gene; plus strand), SUMF1 (sulfatase modifying factor 1; minus strand), LOC112935931 (Sharpr-MPRA regulatory region 4455; plus strand) and 15 more. Cytogenetic location: 3p26.1.
Variant type: Deletion.
Identifiers: ClinVar variation 560157 (VCV000560157.3).

ClinVar aggregate classification (germline): Pathogenic (1 of 4 stars; one submission).

Conditions:
Spinocerebellar ataxia type 15/16 (SCA15). Also called: Spinocerebellar Ataxia Type 15. Identifiers: Orphanet 98769, MedGen C1847725, MONDO:0011694, OMIM 606658.

Submission:

Geisinger Autism and Developmental Medicine Institute, Geisinger Health System
Classification: Pathogenic for Spinocerebellar ataxia type 15/16. Last evaluated: 2018-04-16. Review status: criteria provided, single submitter. Criteria: ACMG CNV Guidelines, 2011. Collection method: provider interpretation. Allele origin: unknown.
Comment: This deletion contains two genes SUMF1 and SETMAR, and a portion of ITPR1. Heterozygous carriers of SUMF1 variants are most often asymptomatic carriers for multiple sulfatase deficiency. Deletions of ITPF1 have been shown to cause spinocerebellar ataxia type 15. Microarray also identified a likely pathogenic duplication at 13q13.3.

Literature cited by the submitters: PubMed 17932120; PubMed 20669319.